The following is an entry in ClinVar:

ClinVar aggregate classification (germline): Uncertain significance (1 of 4 stars; one submission).

Submission:

Labcorp Genetics (formerly Invitae), Labcorp
Classification: Uncertain significance. Last evaluated: 2025-01-14. Review status: criteria provided, single submitter. Criteria: Invitae Variant Classification Sherloc (09022015). Collection method: clinical testing. Allele origin: germline.
Comment: This sequence change replaces valine, which is neutral and non-polar, with leucine, which is neutral and non-polar, at codon 1086 of the ARHGEF10 protein (p.Val1086Leu). This variant is present in population databases (no rsID available, gnomAD 0.003%). This variant has not been reported in the literature in individuals affected with ARHGEF10-related conditions. Invitae Evidence Modeling of protein sequence and biophysical properties (such as structural, functional, and spatial information, amino acid conservation, physicochemical variation, residue mobility, and thermodynamic stability) indicates that this missense variant is not expected to disrupt ARHGEF10 protein function with a negative predictive value of 80%. In summary, the available evidence is currently insufficient to determine the role of this variant in disease. Therefore, it has been classified as a Variant of Uncertain Significance.

NM_014629.4(ARHGEF10):c.3256G>C (p.Val1086Leu)

Gene: ARHGEF10 (Rho guanine nucleotide exchange factor 10; plus strand). Cytogenetic location: 8p23.3.
Variant type: single nucleotide variant.
Coding change: c.3256G>C on transcript NM_014629.4 (MANE Select); coding-DNA position 3256, G replaced by C.
Protein change: p.Val1086Leu; replaces valine 1086 with leucine.
Molecular consequence: missense variant.
Genome position (GRCh38, 1-based): chr8:1,945,514, G>C. VCF-style: chr8-1945514-G-C. GRCh37 (hg19) VCF-style: chr8-1893680-G-C.
Other names: c.3256G>C, p.Val1086Leu (NM_001308153.3); c.3142G>C, p.Val1048Leu (NM_001308152.2); short protein forms V1110L, V1048L, V1086L.
Identifiers: ClinVar variation 3716496 (VCV003716496.2).